The following is an entry in ClinVar:

ClinVar aggregate classification (germline): Uncertain significance (1 of 4 stars; one submission).

Conditions:
Hereditary cancer-predisposing syndrome. Also called: Hereditary Cancer Syndrome; Hereditary neoplastic syndrome; Neoplastic Syndromes, Hereditary; Tumor predisposition. Identifiers: Orphanet 140162, MedGen C0027672, MeSH D009386, MONDO:0015356.

Submission:

Ambry Genetics
Classification: Uncertain significance for Hereditary cancer-predisposing syndrome. Last evaluated: 2025-08-28. Review status: criteria provided, single submitter. Criteria: Ambry Variant Classification Scheme 2023. Collection method: clinical testing. Allele origin: germline.
Comment: The p.P256S variant (also known as c.766C>T), located in coding exon 6 of the CDK4 gene, results from a C to T substitution at nucleotide position 766. The proline at codon 256 is replaced by serine, an amino acid with similar properties. This amino acid position is well conserved in available vertebrate species. In addition, this alteration is predicted to be tolerated by in silico analysis. Based on the available evidence, the clinical significance of this variant remains unclear.

NM_000075.4(CDK4):c.766C>T (p.Pro256Ser)

Genes: CDK4 (cyclin dependent kinase 4; minus strand), TSPAN31 (tetraspanin 31; plus strand). Cytogenetic location: 12q14.1.
Variant type: single nucleotide variant.
Coding change: c.766C>T on transcript NM_000075.4 (MANE Select); coding-DNA position 766, C replaced by T.
Protein change: p.Pro256Ser; replaces proline 256 with serine.
Molecular consequence: missense variant. On other transcripts: 3 prime UTR variant (3).
Genome position (GRCh38, 1-based): chr12:57,749,235, G>A on the plus strand (C>T on the coding strand, the complement: CDK4 is on the minus strand). VCF-style: chr12-57749235-G-A. GRCh37 (hg19) VCF-style: chr12-58143018-G-A.
Other names: c.*1945G>A (NM_001330168.2, NM_001330169.2, NM_005981.5); short protein forms P256S.
Identifiers: ClinVar variation 4224579 (VCV004224579.1).